The following is an entry in ClinVar:

ClinVar aggregate classification (germline): Conflicting classifications of pathogenicity. Review status: criteria provided, conflicting classifications (1 of 4 stars). 3 submissions from 3 submitters: Uncertain significance (2); Likely benign (1). Last evaluated 2025-08-07.

Conditions:
Macrothrombocytopenia and granulocyte inclusions with or without nephritis or sensorineural hearing loss (MATINS). Also called: BLEEDING DISORDER, PLATELET-TYPE, 6; MAY-HEGGLIN ANOMALY; MYH9-Related Disease (MYH9-RD); DOHLE LEUKOCYTE INCLUSIONS WITH GIANT PLATELETS; SEBASTIAN PLATELET SYNDROME; MACROTHROMBOCYTOPENIA WITH DISPERSED LEUKOCYTIC INCLUSIONS. Identifiers: Orphanet 182050, MedGen C5200934, MONDO:0015912, OMIM 155100.

Allele frequency attached by ClinVar (database versions not stated): TOPMed below 0.00001; ExAC 0.00001; gnomAD exomes 0.00001 and 0.00002.
gnomAD v4.1: 31 of 1,606,404 alleles (0.0019%); highest among the groups gnomAD compares: Admixed American, 0.005%; no homozygotes.

Submissions (3):

Labcorp Genetics (formerly Invitae), Labcorp
Classification: Likely benign. Last evaluated: 2025-08-07. Review status: criteria provided, single submitter. Criteria: Invitae Variant Classification Sherloc (09022015). Collection method: clinical testing. Allele origin: germline.

Johns Hopkins Genomics, Johns Hopkins University
Classification: Uncertain significance for Macrothrombocytopenia and granulocyte inclusions with or without nephritis or sensorineural hearing loss. Last evaluated: 2020-12-07. Review status: criteria provided, single submitter. Criteria: ACMG Guidelines, 2015. Collection method: clinical testing. Allele origin: germline.
Comment: MYH9 c.2789G>A (rs727504740) is rare (<0.1%) in a large population dataset (gnomAD: 2/245750 total alleles; 0.0008%; no homozygotes). This variant has been reported in ClinVar. Three bioinformatic tools queried predict that this substitution would be damaging, and the arginine residue at this position is highly evolutionarily conserved across all species assessed. We consider the clinical significance of c.2789G>A to be uncertain at this time.

Laboratory for Molecular Medicine, Mass General Brigham Personalized Medicine
Classification: Uncertain significance. Last evaluated: 2016-05-21. Review status: criteria provided, single submitter. Criteria: LMM Criteria. Collection method: clinical testing. Allele origin: germline. Observed: 1 variant allele.
Comment: The p.Arg930His variant in MYH9 has not been previously reported in individuals with hearing loss or MYH9-related disorder. This variant has been identified in 1/11562 Latino chromosomes by the Exome Aggregation Consortium (ExAC; dbSNP rs727504740). Computational prediction tools and co nservation analyses do not provide strong support for or against an impact to th e protein. In summary, the clinical significance of the p.Arg930His variant is u ncertain.

Literature cited by the submitters: PubMed 27610647 (cited by Johns Hopkins Genomics, Johns Hopkins University).

NM_002473.6(MYH9):c.2789G>A (p.Arg930His)

Genes: MYH9 (myosin heavy chain 9; minus strand), LOC126863137 (CDK7 strongly-dependent group 2 enhancer GRCh37_chr22:36696002-36697201; plus strand). Cytogenetic location: 22q12.3.
Variant type: single nucleotide variant.
Coding change: c.2789G>A on transcript NM_002473.6 (MANE Select); coding-DNA position 2789, G replaced by A.
Protein change: p.Arg930His; replaces arginine 930 with histidine.
Molecular consequence: missense variant.
Genome position (GRCh38, 1-based): chr22:36,300,900, C>T on the plus strand (G>A on the coding strand, the complement: MYH9 is on the minus strand). VCF-style: chr22-36300900-C-T. GRCh37 (hg19) VCF-style: chr22-36696946-C-T.
Other names: short protein forms R930H.
Identifiers: ClinVar variation 179251 (VCV000179251.7), dbSNP rs727504740, ClinGen allele CA184052.
Genomic context (GRCh38, chr22:36,300,900, plus strand): 5'-CGGGCAGGAACCTGGATGTTCTGCTGCATCTTCTTCTTCTCCGCCTGCAGGTGCTGGCAG[C>T]GCTCCTCCTCCTCCTCCACCCTGGCCTCTAGGTCATGGCAGATCTCTTCTAATTCCTGCT-3'
Protein context (NP_002464.1, residues 920-940): LEARVEEEEE[Arg930His]CQHLQAEKKK